The following is an entry in ClinVar:

ClinVar aggregate classification (germline): Pathogenic (1 of 4 stars; one submission).

Conditions:
CHARGE syndrome (CHARGE). Also called: Coloboma, heart anomaly, choanal atresia, retardation, genital and ear anomalies; CHARGE association; Hall-Hittner syndrome; Hittner Hirsch Kreh syndrome; CHARGE ASSOCIATION--COLOBOMA, HEART ANOMALY, CHOANAL ATRESIA, RETARDATION, GENITAL AND EAR ANOMALIES. Identifiers: Orphanet 138, MedGen C0265354, MONDO:0008965.

Submission:

Labcorp Genetics (formerly Invitae), Labcorp
Classification: Pathogenic for CHARGE syndrome. Last evaluated: 2019-03-15. Review status: criteria provided, single submitter. Criteria: Invitae Variant Classification Sherloc (09022015). Collection method: clinical testing. Allele origin: germline.
Comment: This variant is not present in population databases (ExAC no frequency). This sequence change affects an acceptor splice site in the last intron (intron 37) of the CHD7 gene. While this is not anticipated to result in nonsense mediated decay, it likely alters RNA splicing and results in a disrupted protein product. For these reasons, this variant has been classified as Pathogenic. Nucleotide substitutions within the consensus splice site are a relatively common cause of aberrant splicing (PMID: 17576681, 9536098). Algorithms developed to predict the effect of sequence changes on RNA splicing suggest that this variant may disrupt the consensus splice site, but this prediction has not been confirmed by published transcriptional studies. Disruptions of this splice site have been observed to be de novo in individuals with clinical features of CHARGE syndrome (PMID: 22461308, Invitae).

Literature cited by the submitters: PubMed 17576681; PubMed 9536098; PubMed 22461308.

NM_017780.4(CHD7):c.8077-1G>C

Gene: CHD7 (chromodomain helicase DNA binding protein 7; plus strand). Cytogenetic location: 8q12.2.
Variant type: single nucleotide variant.
Coding change: c.8077-1G>C on transcript NM_017780.4 (MANE Select); the canonical splice acceptor site of the intron before coding-DNA position 8077, G replaced by C.
Molecular consequence: splice acceptor variant.
Genome position (GRCh38, 1-based): chr8:60,865,015, G>C. VCF-style: chr8-60865015-G-C. GRCh37 (hg19) VCF-style: chr8-61777574-G-C.
Other names: c.1930-1G>C (NM_001316690.1).
Identifiers: ClinVar variation 656743 (VCV000656743.11), dbSNP rs1586466948, ClinGen allele CA371307055.